The following is an entry in ClinVar:

ClinVar aggregate classification (germline): Benign. Review status: criteria provided, multiple submitters, no conflicts (2 of 4 stars). 2 submissions from 2 submitters: Benign (2). Last evaluated 2019-10-16.

Allele frequency attached by ClinVar (database versions not stated): 1000 Genomes Project 0.03435; 1000 Genomes Project 30x 0.03560; gnomAD exomes 0.06605; ESP Exome Variant Server 0.07418; ExAC 0.07912.
gnomAD v4.1: 139,529 of 1,563,018 alleles (8.9%); highest among the groups gnomAD compares: Non-Finnish European, 11%; 7,219 homozygotes.

Submissions (2):

GeneDx
Classification: Benign. Last evaluated: 2019-10-16. Review status: criteria provided, single submitter. Criteria: GeneDx Variant Classification Process June 2021. Collection method: clinical testing. Allele origin: germline. Affected: yes.
Comment: This variant is associated with the following publications: (PMID: 30828823)

Breakthrough Genomics
Classification: Benign. Review status: criteria provided, single submitter. Criteria: ACMG Guidelines, 2015. Collection method: not provided. Allele origin: germline. Inheritance: Unknown mechanism. Affected: yes.

NM_020406.4(CD177):c.1291G>A (p.Gly431Arg)

Gene: CD177 (CD177 molecule; plus strand). Cytogenetic location: 19q13.31.
Variant type: single nucleotide variant.
Coding change: c.1291G>A on transcript NM_020406.4 (MANE Select); coding-DNA position 1291, G replaced by A.
Protein change: p.Gly431Arg; replaces glycine 431 with arginine.
Molecular consequence: missense variant.
Genome position (GRCh38, 1-based): chr19:43,362,297, G>A. VCF-style: chr19-43362297-G-A. GRCh37 (hg19) VCF-style: chr19-43866449-G-A.
Other names: short protein forms G431R.
Identifiers: ClinVar variation 1246308 (VCV001246308.3), dbSNP rs78718189, ClinGen allele CA9486204.
Genomic context (GRCh38, chr19:43,362,297, plus strand): 5'-GAGGGCCTGGAGTCTCTCACTTGGGGGGTGGGGCTGGCACTGGCCCCAGCGCTGTGGTGG[G>A]GAGTGGTTTGCCCTTCCTGCTAACTCTATTACCCCCACGATTCTTCACCGCTGCTGACCA-3'
Protein context (NP_065139.2, residues 421-437): GLALAPALWW[Gly431Arg]VVCPSC